The following is an entry in ClinVar:

NC_000009.12:g.35658022_35658023insTCTCAGCTTCACAGAGCCACGT

Gene: RMRP (RNA component of mitochondrial RNA processing endoribonuclease; minus strand). Cytogenetic location: 9p13.3.
Variant type: Insertion.
Genome position: GRCh38 VCF-style: chr9-35658016-A-ACCACGTTCTCAGCTTCACAGAG. GRCh37 (hg19) VCF-style: chr9-35658013-A-ACCACGTTCTCAGCTTCACAGAG.
Identifiers: ClinVar variation 1473205 (VCV001473205.6), dbSNP rs1554651364, ClinGen allele CA2573144646.

ClinVar aggregate classification (germline): Uncertain significance (1 of 4 stars; one submission).

Conditions:
Anauxetic dysplasia. Identifiers: Orphanet 93347, MedGen C1846796, MONDO:0011773.

Submission:

Labcorp Genetics (formerly Invitae), Labcorp
Classification: Uncertain significance for Anauxetic dysplasia. Last evaluated: 2021-06-13. Review status: criteria provided, single submitter. Criteria: Invitae Variant Classification Sherloc (09022015). Collection method: clinical testing. Allele origin: germline.
Comment: This variant occurs in the RMRP gene, which encodes an RNA molecule that does not result in a protein product. The frequency data for this variant in the population databases is considered unreliable, as metrics indicate insufficient coverage at this position in the ExAC database. This variant has not been reported in the literature in individuals with RMRP-related conditions. Experimental studies and prediction algorithms are not available or were not evaluated, and the functional significance of this variant is currently unknown. In summary, the available evidence is currently insufficient to determine the role of this variant in disease. Therefore, it has been classified as a Variant of Uncertain Significance.